The following is an entry in ClinVar:

ClinVar aggregate classification (germline): Conflicting classifications of pathogenicity. Review status: criteria provided, conflicting classifications (1 of 4 stars). 2 submissions from 2 submitters: Uncertain significance (1); Likely benign (1). Last evaluated 2023-07-17.

Allele frequency attached by ClinVar (database versions not stated): gnomAD exomes 0.00002 and 0.00006; ExAC 0.00003; ESP Exome Variant Server 0.00008; gnomAD 0.00013 and 0.00014; TOPMed 0.00019.
gnomAD v4.1: 44 of 1,613,330 alleles (0.0027%); highest among the groups gnomAD compares: African/African-American, 0.037%; no homozygotes.

Submissions (2):

Labcorp Genetics (formerly Invitae), Labcorp
Classification: Uncertain significance. Last evaluated: 2023-07-17. Review status: criteria provided, single submitter. Criteria: Invitae Variant Classification Sherloc (09022015). Collection method: clinical testing. Allele origin: germline.
Comment: This variant is present in population databases (rs369043620, gnomAD 0.07%). This sequence change replaces isoleucine, which is neutral and non-polar, with valine, which is neutral and non-polar, at codon 104 of the IFNAR1 protein (p.Ile104Val). This variant has not been reported in the literature in individuals affected with IFNAR1-related conditions. ClinVar contains an entry for this variant (Variation ID: 1525850). Algorithms developed to predict the effect of missense changes on protein structure and function output the following: SIFT: "Not Available"; PolyPhen-2: "Benign"; Align-GVGD: "Not Available". The valine amino acid residue is found in multiple mammalian species, which suggests that this missense change does not adversely affect protein function. In summary, the available evidence is currently insufficient to determine the role of this variant in disease. Therefore, it has been classified as a Variant of Uncertain Significance.

Ambry Genetics
Classification: Likely benign. Last evaluated: 2021-08-04. Review status: criteria provided, single submitter. Criteria: Ambry Variant Classification Scheme 2023. Collection method: clinical testing. Allele origin: germline.

NM_000629.3(IFNAR1):c.310A>G (p.Ile104Val)

Gene: IFNAR1 (interferon alpha and beta receptor subunit 1; plus strand). Cytogenetic location: 21q22.11.
Variant type: single nucleotide variant.
Coding change: c.310A>G on transcript NM_000629.3 (MANE Select); coding-DNA position 310, A replaced by G.
Protein change: p.Ile104Val; replaces isoleucine 104 with valine.
Molecular consequence: missense variant. On other transcripts: 5 prime UTR variant (2).
Genome position (GRCh38, 1-based): chr21:33,341,108, A>G. VCF-style: chr21-33341108-A-G. GRCh37 (hg19) VCF-style: chr21-34713414-A-G.
Other names: c.310A>G, p.Ile104Val (NM_001384498.1, NM_001384499.1, NM_001384501.1 and 1 more transcripts); c.-477A>G (NM_001384500.1); c.-153A>G (NM_001384502.1); c.103A>G, p.Ile35Val (NM_001384504.1); c.310A>G (NM_000629.2); short protein forms I104V, I35V.
Identifiers: ClinVar variation 1525850 (VCV001525850.5), dbSNP rs369043620, ClinGen allele CA10006453.
Genomic context (GRCh38, chr21:33,341,108, plus strand): 5'-AGTACCAAATGCAACTTTTCTTCACTCAAGCTGAATGTTTATGAAGAAATTAAATTGCGT[A>G]TAAGAGCAGAAAAAGAAAACACTTCTTCATGGTATGAGGTTGACTCATTTACACCATTTC-3'
Protein context (NP_000620.2, residues 94-114): LNVYEEIKLR[Ile104Val]RAEKENTSSW